The following is an entry in ClinVar:

NM_000431.4(MVK):c.297C>T (p.Asp99=)

Gene: MVK (mevalonate kinase; plus strand). Cytogenetic location: 12q24.11.
Variant type: single nucleotide variant.
Coding change: c.297C>T on transcript NM_000431.4 (MANE Select); coding-DNA position 297, C replaced by T.
Protein change: p.Asp99=; no amino-acid change (aspartic acid 99 retained).
Molecular consequence: synonymous variant.
Genome position (GRCh38, 1-based): chr12:109,579,872, C>T. VCF-style: chr12-109579872-C-T. GRCh37 (hg19) VCF-style: chr12-110017677-C-T.
Other names: c.297C>T, p.Asp99= (NM_001114185.3, NM_001301182.2).
Identifiers: ClinVar variation 736383 (VCV000736383.13), dbSNP rs376323791, ClinGen allele CA6779211.

ClinVar aggregate classification (germline): Likely benign. Review status: criteria provided, multiple submitters, no conflicts (2 of 4 stars). 5 submissions from 5 submitters: Likely benign (5). Last evaluated 2025-12-11.

Conditions:
Hyperimmunoglobulin D with periodic fever (HIDS). Also called: Hyperimmunoglobulinemia D with periodic fever; HYPERIMMUNOGLOBULINEMIA D AND PERIODIC FEVER SYNDROME; Hyperimmunoglobulinemia D. Identifiers: Orphanet 343, MedGen C0398691, MONDO:0009849, OMIM 260920.
Mevalonic aciduria (MEVA). Identifiers: Orphanet 29, MedGen C1959626, MONDO:0012481, OMIM 610377.
Porokeratosis 3, disseminated superficial actinic type (POROK3). Also called: POROKERATOSIS, DISSEMINATED SUPERFICIAL ACTINIC, 1; POROKERATOSIS 3, MULTIPLE TYPES; POROKERATOSIS 3, MIBELLI TYPE. Identifiers: MedGen C1867981, MONDO:0008293, OMIM 175900.
MVK-related disorder. Also called: MVK-related disorders; MVK-related condition. Identifiers: MedGen CN239294.

Allele frequency attached by ClinVar (database versions not stated): TOPMed 0.00002; gnomAD 0.00004; gnomAD exomes 0.00005 and 0.00010; ExAC 0.00006; ESP Exome Variant Server 0.00008.
gnomAD v4.1: 156 of 1,614,114 alleles (0.0097%); highest among the groups gnomAD compares: Non-Finnish European, 0.012%; no homozygotes.

Submissions (5):

PreventionGenetics, part of Exact Sciences
Classification: Likely benign for MVK-related condition. Last evaluated: 2025-12-11. Review status: criteria provided, single submitter. Criteria: ACMG Guidelines, 2015. Collection method: clinical testing. Allele origin: germline.
Comment: This variant is classified as likely benign based on ACMG/AMP sequence variant interpretation guidelines (Richards et al. 2015 PMID: 25741868, with internal and published modifications).

Labcorp Genetics (formerly Invitae), Labcorp
Classification: Likely benign for Mevalonic aciduria; Hyperimmunoglobulin D with periodic fever; Porokeratosis 3, disseminated superficial actinic type. Last evaluated: 2025-08-12. Review status: criteria provided, single submitter. Criteria: Invitae Variant Classification Sherloc (09022015). Collection method: clinical testing. Allele origin: germline.

Women's Health and Genetics/Laboratory Corporation of America, LabCorp
Classification: Likely benign. Last evaluated: 2025-06-09. Review status: criteria provided, single submitter. Criteria: LabCorp Variant Classification Summary - May 2015. Collection method: clinical testing. Allele origin: germline.

Blueprint Genetics
Classification: Likely benign. Last evaluated: 2023-04-12. Review status: criteria provided, single submitter. Criteria: ACMG Guidelines, 2015. Collection method: clinical testing. Allele origin: germline.

GeneDx
Classification: Likely benign. Last evaluated: 2020-02-24. Review status: criteria provided, single submitter. Criteria: GeneDx Variant Classification Process June 2021. Collection method: clinical testing. Allele origin: germline. Affected: yes.